The following is an entry in ClinVar:

ClinVar aggregate classification (germline): Likely pathogenic (1 of 4 stars; one submission).

Submission:

Quest Diagnostics Nichols Institute San Juan Capistrano
Classification: Likely pathogenic. Last evaluated: 2022-10-26. Review status: criteria provided, single submitter. Criteria: ACMG/ClinGen CNV Guidelines, 2019. Collection method: clinical testing. Allele origin: unknown.
Comment: This deletion involves two protein-coding genes: the entire TRPM6 (OMIM 607009) and all but the first exon (NM_006914.4) of RORB (OMIM 601972). Heterozygous loss-of-function variants of RORB have been associated with autosomal dominant susceptibility to idiopathic generalized epilepsy 15 (EIG15; OMIM 618357, Sadleir 2020, Rudolf 2016, Lal 2015). Additionally, larger deletions involving the current interval have been reported in individuals with a seizure phenotype (Boudry-Labis 2013, Coppola 2019). Furthermore, nonsense and frameshift variants of RORB have been identified in individuals with autism spectrum disorder (Satterstrom 2020). There are two smaller copy number losses involving a smaller portion of both RORB and TRPM6 genes reported in the general populations of the Database of Genomic Variants (DGV). Thus, based on current medical literature and gene content, this copy number variant (CNV) is classified as likely pathogenic. References: Boudry-Labis et al., Eur J Med Genet. 2013 Mar;56(3):163-70. PMID: 23279911 Coppola et al., Epilepsia. 2019 Apr;60(4):689-706. PMID: 30866059 Lal et al., PLoS Genet. 2015 May 7;11(5):e1005226. PMID: 25950944 Rudolf et al., Eur J Hum Genet. 2016 Dec;24(12):1761-1770. PMID: 27352968 Sadleir et al., Epilepsia. 2020 Apr;61(4):e23-e29. PMID: 32162308 Satterstrom et al., Cell. 2020 Feb 6;180(3):568-584.e23. PMID: 31981491

GRCh37/hg19 9q21.13(chr9:77237003-77546297)x1

Genes: RORB (RAR related orphan receptor B; plus strand), TRPM6 (transient receptor potential cation channel subfamily M member 6; minus strand). Cytogenetic location: 9q21.13.
Variant type: copy number loss.
Change: copy number 1 (one copy instead of two) of chr9:77,237,003-77,546,297 (309.3 kb, GRCh37 coordinates, 1-based), cytogenetic band 9q21.13.
Identifiers: ClinVar variation 2685353 (VCV002685353.1).